The following is an entry in ClinVar:

ClinVar aggregate classification (germline): Benign/Likely benign. Review status: criteria provided, multiple submitters, no conflicts (2 of 4 stars). 10 submissions from 10 submitters: Benign (4); Likely benign (2). 4 of the submissions do not count toward it. Last evaluated 2026-01-06.

Conditions:
Inborn genetic diseases. Identifiers: MedGen C0950123, MeSH D030342.
CHD7-related disorder. Also called: CHD7-related condition.
Hypogonadotropic hypogonadism 5 with or without anosmia (KAL5). Also called: CHD7-Related GnRH Deficiency (Kallmann Syndrome 5); HYPOGONADOTROPIC HYPOGONADISM 5 WITH ANOSMIA; HYPOGONADOTROPHIC HYPOGONADISM 5 WITHOUT ANOSMIA. Identifiers: Orphanet 478, MedGen C3552553, MONDO:0012880, OMIM 612370. Disease mechanism: loss of function.
CHARGE syndrome (CHARGE). Also called: CHARGE ASSOCIATION--COLOBOMA, HEART ANOMALY, CHOANAL ATRESIA, RETARDATION, GENITAL AND EAR ANOMALIES; Hittner Hirsch Kreh syndrome; Coloboma, heart anomaly, choanal atresia, retardation, genital and ear anomalies; CHARGE association; Hall-Hittner syndrome. Identifiers: Orphanet 138, MedGen C0265354, MONDO:0008965.

Allele frequency attached by ClinVar (database versions not stated): gnomAD 0.00139 and 0.00152; gnomAD exomes 0.00028; ExAC 0.00037; 1000 Genomes Project 30x 0.00125; TOPMed 0.00148; ESP Exome Variant Server 0.00184; 1000 Genomes Project 0.00120.
gnomAD v4.1: 398 of 1,614,028 alleles (0.025%); highest among the groups gnomAD compares: African/African-American, 0.48%; 1 homozygote.

Submissions (10):

Labcorp Genetics (formerly Invitae), Labcorp
Classification: Benign for CHARGE syndrome. Last evaluated: 2026-01-06. Review status: criteria provided, single submitter. Criteria: Invitae Variant Classification Sherloc (09022015). Collection method: clinical testing. Allele origin: germline.

Blueprint Genetics
Classification: Likely benign. Last evaluated: 2024-10-07. Review status: criteria provided, single submitter. Criteria: ACMG Guidelines, 2015. Collection method: clinical testing. Allele origin: germline.

GeneDx
Classification: Benign. Last evaluated: 2019-09-26. Review status: criteria provided, single submitter. Criteria: GeneDx Variant Classification Process June 2021. Collection method: clinical testing. Allele origin: germline. Affected: yes.

Illumina Laboratory Services, Illumina
Classification: Benign for Kallmann Syndrome 5. Last evaluated: 2018-01-13. Review status: criteria provided, single submitter. Criteria: ICSL Variant Classification Criteria 13 December 2019. Collection method: clinical testing. Allele origin: germline.
Comment: This variant was observed in the ICSL laboratory as part of a predisposition screen in an ostensibly healthy population. It had not been previously curated by ICSL or reported in the Human Gene Mutation Database (HGMD: prior to June 1st, 2018), and was therefore a candidate for classification through an automated scoring system. Utilizing variant allele frequency, disease prevalence and penetrance estimates, and inheritance mode, an automated score was calculated to assess if this variant is too frequent to cause the disease. Based on the score and internal cut-off values, a variant classified as benign is not then subjected to further curation. The score for this variant resulted in a classification of benign for this disease.

Ambry Genetics
Classification: Likely benign for Inborn genetic diseases. Last evaluated: 2016-11-10. Review status: criteria provided, single submitter. Criteria: Ambry Variant Classification Scheme 2023. Collection method: clinical testing. Allele origin: germline.

Eurofins Ntd Llc (ga)
Classification: Benign. Last evaluated: 2013-02-20. Review status: criteria provided, single submitter. Criteria: EGL Classification Definitions 2015. Collection method: clinical testing. Allele origin: germline. Observed: 2 variant alleles, 2 heterozygotes.

PreventionGenetics, part of Exact Sciences
Classification: Benign for CHD7-related condition. Last evaluated: 2021-03-17. Review status: no assertion criteria provided. Collection method: clinical testing. Allele origin: germline. Not counted in ClinVar's aggregate classification.
Comment: This variant is classified as benign based on ACMG/AMP sequence variant interpretation guidelines (Richards et al. 2015 PMID: 25741868, with internal and published modifications).

Clinical Genetics DNA and cytogenetics Diagnostics Lab, Erasmus MC, Erasmus Medical Center
Classification: Likely benign. Review status: no assertion criteria provided. Collection method: clinical testing. Allele origin: germline. Affected: yes. Study: VKGL Data-share Consensus. Not counted in ClinVar's aggregate classification.

Genome Diagnostics Laboratory, University Medical Center Utrecht
Classification: Likely benign. Review status: no assertion criteria provided. Collection method: clinical testing. Allele origin: germline. Affected: yes. Study: VKGL Data-share Consensus. Not counted in ClinVar's aggregate classification.

Joint Genome Diagnostic Labs from Nijmegen and Maastricht, Radboudumc and MUMC+
Classification: Benign. Review status: no assertion criteria provided. Collection method: clinical testing. Allele origin: germline. Affected: yes. Study: VKGL Data-share Consensus. Not counted in ClinVar's aggregate classification.

NM_017780.4(CHD7):c.7278G>A (p.Gln2426=)

Gene: CHD7 (chromodomain helicase DNA binding protein 7; plus strand). Cytogenetic location: 8q12.2.
Variant type: single nucleotide variant.
Coding change: c.7278G>A on transcript NM_017780.4 (MANE Select); coding-DNA position 7278, G replaced by A.
Protein change: p.Gln2426=; no amino-acid change (glutamine 2426 retained).
Molecular consequence: synonymous variant. On other transcripts: intron variant (1).
Genome position (GRCh38, 1-based): chr8:60,856,558, G>A. VCF-style: chr8-60856558-G-A. GRCh37 (hg19) VCF-style: chr8-61769117-G-A.
Other names: c.1717-5671G>A (NM_001316690.1).
Identifiers: ClinVar variation 95810 (VCV000095810.33), dbSNP rs187311127, ClinGen allele CA148885.